The following is an entry in ClinVar:

NM_001101.5(ACTB):c.1043C>T (p.Ser348Leu)

Gene: ACTB (actin beta; minus strand). Cytogenetic location: 7p22.1.
Variant type: single nucleotide variant.
Coding change: c.1043C>T on transcript NM_001101.5 (MANE Select); coding-DNA position 1043, C replaced by T.
Protein change: p.Ser348Leu; replaces serine 348 with leucine.
Molecular consequence: missense variant.
Genome position (GRCh38, 1-based): chr7:5,527,833, G>A on the plus strand (C>T on the coding strand, the complement: ACTB is on the minus strand). VCF-style: chr7-5527833-G-A. GRCh37 (hg19) VCF-style: chr7-5567464-G-A.
Other names: p.Ser348Leu; c.1043C>T (LRG_132t1); short protein forms S348L.
Identifiers: ClinVar variation 279997 (VCV000279997.52), dbSNP rs886041309, ClinGen allele CA10603053.

ClinVar aggregate classification (germline): Pathogenic/Likely pathogenic. Review status: criteria provided, multiple submitters, no conflicts (2 of 4 stars). 10 submissions from 10 submitters: Pathogenic (6); Likely pathogenic (2). 2 of the submissions do not count toward it. Last evaluated 2024-06-19.

Conditions:
Baraitser-Winter syndrome 1 (BRWS1). Also called: Cerebrofrontofacial syndrome; BARAITSER-WINTER SYNDROME 1, ATYPICAL; PACHYGYRIA, MENTAL RETARDATION, EPILEPSY, AND CHARACTERISTIC FACIES; MENTAL RETARDATION WITH EPILEPSY AND CHARACTERISTIC FACIES. Identifiers: Orphanet 2649, Orphanet 2995, MedGen C1855722, MONDO:0009470, OMIM 243310.
Intellectual disability. Also called: Intellectual functioning disability; intellectual disabilities; Intellectual developmental disorder. Identifiers: MedGen C3714756, MeSH D008607, MONDO:0001071, HP:0001249.

Submissions (10):

Athena Diagnostics
Classification: Pathogenic. Last evaluated: 2024-06-19. Review status: criteria provided, single submitter. Criteria: Athena Diagnostics Criteria. Collection method: clinical testing. Allele origin: unknown.
Comment: This variant appears to occur de novo in multiple individuals with clinical features associated with this gene.

GeneDx
Classification: Pathogenic. Last evaluated: 2023-08-25. Review status: criteria provided, single submitter. Criteria: GeneDx Variant Classification Process June 2021. Collection method: clinical testing. Allele origin: germline. Affected: yes.
Comment: Observed de novo as a candidate gene in a patient with jejunal atresia and hyperglycemia (Fakhro et al., 2019); In silico analysis supports that this missense variant has a deleterious effect on protein structure/function; Missense variants in this gene are often considered pathogenic (HGMD); Not observed in large population cohorts (gnomAD); This variant is associated with the following publications: (PMID: 31625567, 33710394, 34970864)

Baylor Genetics
Classification: Pathogenic for Baraitser-Winter syndrome 1. Last evaluated: 2022-11-07. Review status: criteria provided, single submitter. Criteria: ACMG Guidelines, 2015. Collection method: clinical testing. Allele origin: unknown.

Victorian Clinical Genetics Services, Murdoch Childrens Research Institute
Classification: Pathogenic for Baraitser-Winter syndrome 1. Last evaluated: 2020-10-19. Review status: criteria provided, single submitter. Criteria: ACMG Guidelines, 2015. Collection method: clinical testing. Allele origin: germline. Inheritance: Autosomal dominant inheritance. Affected: yes.
Comment: Based on the classification scheme VCGS_Germline_v1.3.3, this variant is classified as Pathogenic. Following criteria are met: 0103 - Loss of function and gain of function are suggested mechanisms of disease in this gene. Missense variants are postulated to exert a gain-of-function effect resulting in Baraitser-Winter syndrome 1 (MIM#243310), while loss-of-function variants cause a similar but distinct phenotype (PMIDs: 30733661, 29220674). (I) 0107 - This gene is associated with autosomal dominant disease. (I) 0200 - Variant is predicted to result in a missense amino acid change from serine to leucine. (I) 0251 - This variant is heterozygous. (I) 0301 - Variant is absent from gnomAD (both v2 and v3). (SP) 0501 - Missense variant consistently predicted to be damaging by multiple in silico tools or highly conserved with a major amino acid change. (SP) 0603 - Missense variant in a region that is highly intolerant to missense variation (high constraint region in DECIPHER). (SP) 0705 - No comparable missense variants have previous evidence for pathogenicity. (I) 0801 - This variant has strong previous evidence of pathogenicity in unrelated individuals. This variant has been shown to be de novo in multiple patients (ClinVar, PMID: 31625567). (SP) Legend: (SP) - Supporting pathogenic, (I) - Information, (SB) - Supporting benign

Center for Statistical Genetics, Columbia University
Classification: Pathogenic for Intellectual disability. Last evaluated: 2020-10-16. Review status: criteria provided, single submitter. Criteria: ACMG Guidelines, 2015. Collection method: research. Allele origin: de novo. Affected: yes.

CeGaT Center for Human Genetics Tuebingen
Classification: Likely pathogenic. Last evaluated: 2018-02-01. Review status: criteria provided, single submitter. Criteria: CeGaT Center For Human Genetics Tuebingen Variant Classification Criteria Version 2. Collection method: clinical testing. Allele origin: germline. Affected: yes. Observed: 1 variant allele.

Clinical Genetics and Genomics, Karolinska University Hospital
Classification: Likely pathogenic. Last evaluated: 2016-09-09. Review status: criteria provided, single submitter. Criteria: ACMG Guidelines, 2015. Collection method: clinical testing. Allele origin: germline. Affected: yes. Observed: 1 variant allele.

Juno Genomics, Hangzhou Juno Genomics, Inc
Classification: Pathogenic for Baraitser-Winter syndrome 1. Review status: criteria provided, single submitter. Criteria: ACMG Guidelines, 2015. Collection method: clinical testing. Allele origin: germline. Affected: yes.
Comment: Absent from controls (or at extremely low frequency if recessive) in Genome Aggregation Database.;Missense variant in a gene that has a low rate of benign missense variation.;The prevalence of the variant in affected individuals is significantly increased compared to the prevalence in controls.;De novo (both maternity and paternity confirmed) in a patient with the disease and no family history.;Patient's phenotype or family history is highly specific for a disease with a single genetic etiology.;Well-established in vitro or in vivo functional studies supportive of a damaging effect on the gene or gene product.

Clinical Genomics Laboratory, Stanford Medicine
Classification: Pathogenic for Baraitser-Winter syndrome 1. Last evaluated: 2021-06-30. Review status: no assertion criteria provided. Collection method: clinical testing. Allele origin: germline. Inheritance: Autosomal dominant inheritance. Affected: yes. Observed: 1 heterozygote. Not counted in ClinVar's aggregate classification.
Comment: The p.Ser348Leu variant in the ACTB gene has been previously reported de novo in 1 individual with intellectual disability (Clinvar accession: SCV001438279.1) and de novo in 3 individuals with dysmorphic features and developmental delay (Clinvar accession: SCV000329688.5 & GeneDx, personal communication, June 18, 2021). This variant was absent from large population databases, including the Genome Aggregation Database. The ACTB gene has fewer missense variants in the general population than expected. A low rate of missense variation may suggest that this gene is intolerant to missense variation. Computational tools predict that the p.Ser348Leu variant is deleterious; however, the accuracy of in silico algorithms is limited. These data were assessed using the ACMG/AMP variant interpretation guidelines. In summary, there is sufficient evidence to classify the p.Ser348Leu variant as pathogenic for Baraitser-Winter Cerebrofrontofacial Syndrome in an autosomal dominant manner based on the information above. [ACMG evidence codes used: PS2_VeryStrong; PM2; PP2; PP3]

Molecular Genetics laboratory, Necker Hospital
Classification: Likely pathogenic. Last evaluated: 2021-03-11. Review status: no assertion criteria provided. Collection method: clinical testing. Allele origin: de novo. Affected: yes. Not counted in ClinVar's aggregate classification.

Literature cited by the submitters: PubMed 24121792 (cited by Athena Diagnostics); PubMed 31625567 (cited by Athena Diagnostics and Victorian Clinical Genetics Services, Murdoch Childrens Research Institute); PubMed 33710394 (cited by Athena Diagnostics); PubMed 34970864 (cited by Athena Diagnostics); PubMed 35322241 (cited by Athena Diagnostics); PubMed 37086329 (cited by Athena Diagnostics); PubMed 29220674 (cited by Victorian Clinical Genetics Services, Murdoch Childrens Research Institute); PubMed 30733661 (cited by Victorian Clinical Genetics Services, Murdoch Childrens Research Institute).